The following is an entry in ClinVar:

ClinVar aggregate classification (germline): Likely benign. Review status: criteria provided, multiple submitters, no conflicts (2 of 4 stars). 3 submissions from 3 submitters: Likely benign (3). Last evaluated 2026-01-04.

Conditions:
Neurofibromatosis, type 1 (NF1). Also called: VON RECKLINGHAUSEN DISEASE; NEUROFIBROMATOSIS, TYPE I, SOMATIC; Peripheral type neurofibromatosis; Neurofibromatosis, type I. Identifiers: Orphanet 636, MedGen C0027831, MONDO:0018975, OMIM 162200. Disease mechanism: loss of function.

Submissions (3):

Labcorp Genetics (formerly Invitae), Labcorp
Classification: Likely benign for Neurofibromatosis, type 1. Last evaluated: 2026-01-04. Review status: criteria provided, single submitter. Criteria: Invitae Variant Classification Sherloc (09022015). Collection method: clinical testing. Allele origin: germline.

Genome-Nilou Lab
Classification: Likely benign for Neurofibromatosis, type 1. Last evaluated: 2022-03-15. Review status: criteria provided, single submitter. Criteria: ACMG Guidelines, 2015. Collection method: clinical testing. Allele origin: germline. Affected: no.

GeneDx
Classification: Likely benign. Last evaluated: 2018-03-27. Review status: criteria provided, single submitter. Criteria: GeneDx Variant Classification (06012015). Collection method: clinical testing. Allele origin: germline. Affected: yes.
Comment: This variant is considered likely benign or benign based on one or more of the following criteria: it is a conservative change, it occurs at a poorly conserved position in the protein, it is predicted to be benign by multiple in silico algorithms, and/or has population frequency not consistent with disease.

NM_001042492.3(NF1):c.2410-13A>T

Gene: NF1 (neurofibromin 1; plus strand). Cytogenetic location: 17q11.2.
Variant type: single nucleotide variant.
Coding change: c.2410-13A>T on transcript NM_001042492.3 (MANE Select); 13 bases into the intron before coding-DNA position 2410, A replaced by T.
Molecular consequence: intron variant.
Genome position (GRCh38, 1-based): chr17:31,229,012, A>T. VCF-style: chr17-31229012-A-T. GRCh37 (hg19) VCF-style: chr17-29556030-A-T.
Other names: c.2410-13A>T (NM_000267.4).
Identifiers: ClinVar variation 561783 (VCV000561783.8), dbSNP rs1567848711, ClinGen allele CA658825060.